The following is an entry in ClinVar:

NM_001195518.2(MICU1):c.140G>A (p.Ser47Asn)

Gene: MICU1 (mitochondrial calcium uptake 1; minus strand). Cytogenetic location: 10q22.1.
Variant type: single nucleotide variant.
Coding change: c.140G>A on transcript NM_001195518.2 (MANE Select); coding-DNA position 140, G replaced by A.
Protein change: p.Ser47Asn; replaces serine 47 with asparagine.
Molecular consequence: missense variant.
Genome position (GRCh38, 1-based): chr10:72,566,654, C>T on the plus strand (G>A on the coding strand, the complement: MICU1 is on the minus strand). VCF-style: chr10-72566654-C-T. GRCh37 (hg19) VCF-style: chr10-74326412-C-T.
Other names: c.140G>A, p.Ser47Asn (NM_001363513.2, NM_006077.4); short protein forms S47N.
Identifiers: ClinVar variation 1480075 (VCV001480075.7), dbSNP rs776507756, ClinGen allele CA377395640.

ClinVar aggregate classification (germline): Uncertain significance (1 of 4 stars; one submission).

Allele frequency attached by ClinVar (database versions not stated): gnomAD 0.00001; TOPMed 0.00001.
gnomAD v4.1: 5 of 1,612,718 alleles (0.00031%); highest among the groups gnomAD compares: Non-Finnish European, 0.00042%; no homozygotes.

Submission:

Labcorp Genetics (formerly Invitae), Labcorp
Classification: Uncertain significance. Last evaluated: 2022-06-15. Review status: criteria provided, single submitter. Criteria: Invitae Variant Classification Sherloc (09022015). Collection method: clinical testing. Allele origin: germline.
Comment: This sequence change replaces serine, which is neutral and polar, with asparagine, which is neutral and polar, at codon 47 of the MICU1 protein (p.Ser47Asn). This variant is not present in population databases (gnomAD no frequency). This variant has not been reported in the literature in individuals affected with MICU1-related conditions. Algorithms developed to predict the effect of missense changes on protein structure and function are either unavailable or do not agree on the potential impact of this missense change (SIFT: "Deleterious"; PolyPhen-2: "Not Available"; Align-GVGD: "Class C0"). In summary, the available evidence is currently insufficient to determine the role of this variant in disease. Therefore, it has been classified as a Variant of Uncertain Significance.